The following is an entry in ClinVar:

NM_000455.5(STK11):c.978A>G (p.Pro326=)

Gene: STK11 (serine/threonine kinase 11; plus strand). Cytogenetic location: 19p13.3.
Variant type: single nucleotide variant.
Coding change: c.978A>G on transcript NM_000455.5 (MANE Select); coding-DNA position 978, A replaced by G.
Protein change: p.Pro326=; no amino-acid change (proline 326 retained).
Molecular consequence: synonymous variant.
Genome position (GRCh38, 1-based): chr19:1,223,042, A>G. VCF-style: chr19-1223042-A-G. GRCh37 (hg19) VCF-style: chr19-1223041-A-G.
Identifiers: ClinVar variation 1094768 (VCV001094768.10), dbSNP rs1555739204, ClinGen allele CA504707751.

ClinVar aggregate classification (germline): Benign/Likely benign. Review status: criteria provided, multiple submitters, no conflicts (2 of 4 stars). 3 submissions from 3 submitters: Benign (1); Likely benign (2). Last evaluated 2025-07-17.

Conditions:
Hereditary cancer-predisposing syndrome. Also called: Tumor predisposition; Neoplastic Syndromes, Hereditary; Hereditary Cancer Syndrome; Hereditary neoplastic syndrome. Identifiers: Orphanet 140162, MedGen C0027672, MeSH D009386, MONDO:0015356.
Peutz-Jeghers syndrome (PJS). Also called: POLYPOSIS, HAMARTOMATOUS INTESTINAL; POLYPS-AND-SPOTS SYNDROME; Peutz-Jeghers polyposis; Periorificial lentiginosis syndrome. Identifiers: Orphanet 2869, MedGen C0031269, MeSH D010580, MONDO:0008280, OMIM 175200.

Allele frequency attached by ClinVar (database versions not stated): gnomAD exomes below 0.00001.
gnomAD v4.1: 1 of 1,599,008 alleles (0.000063%); highest among the groups gnomAD compares: Non-Finnish European, 0.000085%; no homozygotes.

Submissions (3):

Color Diagnostics, LLC DBA Color Health
Classification: Likely benign for Hereditary cancer-predisposing syndrome. Last evaluated: 2025-07-17. Review status: criteria provided, single submitter. Criteria: ACMG Guidelines, 2015. Collection method: clinical testing. Allele origin: germline.

Myriad Genetics, Inc.
Classification: Benign for Peutz-Jeghers syndrome. Last evaluated: 2025-03-28. Review status: criteria provided, single submitter. Criteria: Myriad Autosomal Dominant, Autosomal Recessive and X-Linked Classification Criteria (2023). Collection method: clinical testing. Allele origin: unknown.
Comment: This variant is considered benign. This variant is a silent/synonymous amino acid change and it is not expected to impact splicing.

Labcorp Genetics (formerly Invitae), Labcorp
Classification: Likely benign for Peutz-Jeghers syndrome. Last evaluated: 2019-04-15. Review status: criteria provided, single submitter. Criteria: Invitae Variant Classification Sherloc (09022015). Collection method: clinical testing. Allele origin: germline.